The following is an entry in ClinVar:

ClinVar aggregate classification (germline): Likely benign (1 of 4 stars; one submission).

Submission:

CeGaT Center for Human Genetics Tuebingen
Classification: Likely benign. Last evaluated: 2025-09-01. Review status: criteria provided, single submitter. Criteria: CeGaT Center For Human Genetics Tuebingen Variant Classification Criteria Version 2. Collection method: clinical testing. Allele origin: germline. Affected: yes. Observed: 1 variant allele.
Comment: KDM5B: PM2:Supporting, BP4, BP7

NM_006618.5(KDM5B):c.621G>A (p.Glu207=)

Gene: KDM5B (lysine demethylase 5B; minus strand). Cytogenetic location: 1q32.1.
Variant type: single nucleotide variant.
Coding change: c.621G>A on transcript NM_006618.5 (MANE Select); coding-DNA position 621, G replaced by A.
Protein change: p.Glu207=; no amino-acid change (glutamic acid 207 retained).
Molecular consequence: synonymous variant. On other transcripts: intron variant (1).
Genome position (GRCh38, 1-based): chr1:202,767,016, C>T on the plus strand (G>A on the coding strand, the complement: KDM5B is on the minus strand). VCF-style: chr1-202767016-C-T. GRCh37 (hg19) VCF-style: chr1-202736144-C-T.
Other names: c.621G>A, p.Glu207= (NM_001314042.2); c.606G>A, p.Glu202= (NM_001399817.1); c.577-2871G>A (NM_001347591.2).
Identifiers: ClinVar variation 4281467 (VCV004281467.7).